The following is an entry in ClinVar:

ClinVar aggregate classification (germline): Uncertain significance (1 of 4 stars; one submission).

Conditions:
Cardiovascular phenotype. Identifiers: MedGen CN230736.

Submission:

Ambry Genetics
Classification: Uncertain significance for Cardiovascular phenotype. Last evaluated: 2026-05-18. Review status: criteria provided, single submitter. Criteria: Ambry Variant Classification Scheme 2023. Collection method: clinical testing. Allele origin: germline.
Comment: The p.E348G variant (also known as c.1043A>G), located in coding exon 8 of the DSP gene, results from an A to G substitution at nucleotide position 1043. The glutamic acid at codon 348 is replaced by glycine, an amino acid with similar properties. This amino acid position is well conserved in available vertebrate species. In addition, this alteration is predicted to be deleterious by in silico analysis. Based on the available evidence, the clinical significance of this variant remains unclear.

NM_004415.4(DSP):c.1043A>G (p.Glu348Gly)

Gene: DSP (desmoplakin; plus strand). Cytogenetic location: 6p24.3.
Variant type: single nucleotide variant.
Coding change: c.1043A>G on transcript NM_004415.4 (MANE Select); coding-DNA position 1043, A replaced by G.
Protein change: p.Glu348Gly; replaces glutamic acid 348 with glycine.
Molecular consequence: missense variant.
Genome position (GRCh38, 1-based): chr6:7,566,480, A>G. VCF-style: chr6-7566480-A-G. GRCh37 (hg19) VCF-style: chr6-7566713-A-G.
Other names: c.1043A>G, p.Glu348Gly (NM_001008844.3, NM_001319034.2, NM_001406591.1); short protein forms E348G.
Identifiers: ClinVar variation 4870131 (VCV004870131.1).